The following is an entry in ClinVar:

ClinVar aggregate classification (germline): Uncertain significance (1 of 4 stars; one submission).

gnomAD v4.1: 5 of 1,613,954 alleles (0.00031%); highest among the groups gnomAD compares: East Asian, 0.0022%; no homozygotes.

Submission:

Labcorp Genetics (formerly Invitae), Labcorp
Classification: Uncertain significance. Last evaluated: 2025-10-18. Review status: criteria provided, single submitter. Criteria: Invitae Variant Classification Sherloc (09022015). Collection method: clinical testing. Allele origin: germline.
Comment: This sequence change replaces tyrosine, which is neutral and polar, with cysteine, which is neutral and slightly polar, at codon 883 of the TOP2B protein (p.Tyr883Cys). This variant is present in population databases (no rsID available, gnomAD 0.003%). This variant has not been reported in the literature in individuals affected with TOP2B-related conditions. An algorithm developed to predict the effect of missense changes on protein structure and function (PolyPhen-2) suggests that this variant is likely to be disruptive. In summary, the available evidence is currently insufficient to determine the role of this variant in disease. Therefore, it has been classified as a Variant of Uncertain Significance.

NM_001330700.2(TOP2B):c.2663A>G (p.Tyr888Cys)

Gene: TOP2B (DNA topoisomerase II beta; minus strand). Cytogenetic location: 3p24.2.
Variant type: single nucleotide variant.
Coding change: c.2663A>G on transcript NM_001330700.2 (MANE Select); coding-DNA position 2663, A replaced by G.
Protein change: p.Tyr888Cys; replaces tyrosine 888 with cysteine.
Molecular consequence: missense variant.
Genome position (GRCh38, 1-based): chr3:25,623,579, T>C on the plus strand (A>G on the coding strand, the complement: TOP2B is on the minus strand). VCF-style: chr3-25623579-T-C. GRCh37 (hg19) VCF-style: chr3-25665070-T-C.
Other names: c.2648A>G, p.Tyr883Cys (NM_001068.3); short protein forms Y888C, Y883C.
Identifiers: ClinVar variation 4777637 (VCV004777637.1).
Genomic context (GRCh38, chr3:25,623,579, plus strand): 5'-GGATGAGGATCCAGGCCATCTAGCATTCGTCTGACATTGTTCACAATTTCCCTAGCATCA[T>C]AGTTGGGTAGTTTACAAGCCCATCCAGTACCAATGCCCTCAGCACCATTTATTAAAACCA-3'
Protein context (NP_001317629.1, residues 878-898): GTGWACKLPN[Tyr888Cys]DAREIVNNVR